The following is an entry in ClinVar:

ClinVar aggregate classification (germline): Uncertain significance. Review status: criteria provided, multiple submitters, no conflicts (2 of 4 stars). 2 submissions from 2 submitters: Uncertain significance (2). Last evaluated 2022-04-04.

Conditions:
Hereditary cancer-predisposing syndrome. Also called: Tumor predisposition; Hereditary neoplastic syndrome; Neoplastic Syndromes, Hereditary; Hereditary Cancer Syndrome. Identifiers: Orphanet 140162, MedGen C0027672, MeSH D009386, MONDO:0015356.
Hereditary nonpolyposis colorectal neoplasms. Identifiers: MedGen C0009405, MeSH D003123.

gnomAD v4.1: 2 of 1,614,182 alleles (0.00012%); highest among the groups gnomAD compares: Non-Finnish European, 0.00017%; no homozygotes.

Submissions (2):

Ambry Genetics
Classification: Uncertain significance for Hereditary cancer-predisposing syndrome. Last evaluated: 2022-04-04. Review status: criteria provided, single submitter. Criteria: Ambry Variant Classification Scheme 2023. Collection method: clinical testing. Allele origin: germline.
Comment: The p.R1145K variant (also known as c.3434G>A), located in coding exon 5 of the MSH6 gene, results from a G to A substitution at nucleotide position 3434. The arginine at codon 1145 is replaced by lysine, an amino acid with highly similar properties. This amino acid position is conserved. In addition, this alteration is predicted to be deleterious by in silico analysis. Since supporting evidence is limited at this time, the clinical significance of this alteration remains unclear.

Labcorp Genetics (formerly Invitae), Labcorp
Classification: Uncertain significance for Hereditary nonpolyposis colorectal neoplasms. Last evaluated: 2019-03-16. Review status: criteria provided, single submitter. Criteria: Invitae Variant Classification Sherloc (09022015). Collection method: clinical testing. Allele origin: germline.
Comment: This variant is not present in population databases (ExAC no frequency). This sequence change replaces arginine with lysine at codon 1145 of the MSH6 protein (p.Arg1145Lys). The arginine residue is highly conserved and there is a small physicochemical difference between arginine and lysine. In summary, the available evidence is currently insufficient to determine the role of this variant in disease. Therefore, it has been classified as a Variant of Uncertain Significance. Algorithms developed to predict the effect of missense changes on protein structure and function (SIFT, PolyPhen-2, Align-GVGD) all suggest that this variant is likely to be disruptive, but these predictions have not been confirmed by published functional studies and their clinical significance is uncertain. This variant has not been reported in the literature in individuals with MSH6-related conditions.

NM_000179.3(MSH6):c.3434G>A (p.Arg1145Lys)

Gene: MSH6 (mutS homolog 6; plus strand). Cytogenetic location: 2p16.3.
Variant type: single nucleotide variant.
Coding change: c.3434G>A on transcript NM_000179.3 (MANE Select); coding-DNA position 3434, G replaced by A.
Protein change: p.Arg1145Lys; replaces arginine 1145 with lysine.
Molecular consequence: missense variant.
Genome position (GRCh38, 1-based): chr2:47,803,681, G>A. VCF-style: chr2-47803681-G-A. GRCh37 (hg19) VCF-style: chr2-48030820-G-A.
Other names: c.3044G>A, p.Arg1015Lys (NM_001281492.2); c.2528G>A, p.Arg843Lys (NM_001281493.2, NM_001281494.2); short protein forms R1145K, R1015K, R843K.
Identifiers: ClinVar variation 857589 (VCV000857589.12), dbSNP rs1553331777, ClinGen allele CA346758965.